The following is an entry in ClinVar:

NM_020207.7(ERCC6L2):c.4504_4505del (p.Leu1502fs)

Gene: ERCC6L2 (ERCC excision repair 6 like 2; plus strand). Cytogenetic location: 9q22.32.
Variant type: Microsatellite.
Coding change: c.4504_4505del on transcript NM_020207.7 (MANE Select); coding-DNA positions 4504 to 4505, 2 bases deleted (CT; older notation c.4504_4505delCT).
Protein change: p.Leu1502fs; shifts the reading frame from leucine 1502.
Molecular consequence: frameshift variant. On other transcripts: non-coding transcript variant (1), intron variant (2).
Genome position (GRCh38, 1-based): chr9:96,013,054-96,013,055, CT deleted; deleting any 2 consecutive bases within chr9:96,013,052-96,013,055 gives the same sequence; the c. name uses the placement nearest the transcript's 3' end. VCF-style (leftmost placement, unchanged base first): chr9-96013051-ACT-A. GRCh37 (hg19) VCF-style: chr9-98775333-ACT-A.
Other names: c.3674+8353_3674+8354del (NM_001375291.1, NM_001375292.1); short protein forms L1502fs.
Identifiers: ClinVar variation 2701948 (VCV002701948.5), dbSNP rs769512185, ClinGen allele CA5140115.

ClinVar aggregate classification (germline): Uncertain significance. Review status: criteria provided, multiple submitters, no conflicts (2 of 4 stars). 2 submissions from 2 submitters: Uncertain significance (2). Last evaluated 2023-12-09.

Conditions:
Pancytopenia-developmental delay syndrome. Also called: Bone marrow failure syndrome 2. Identifiers: Orphanet 401764, MedGen C3810350, MONDO:0014317, OMIM 615715.

Submissions (2):

Labcorp Genetics (formerly Invitae), Labcorp
Classification: Uncertain significance. Last evaluated: 2023-12-09. Review status: criteria provided, single submitter. Criteria: Invitae Variant Classification Sherloc (09022015). Collection method: clinical testing. Allele origin: germline.
Comment: This sequence change creates a premature translational stop signal (p.Leu1513Valfs*2) in the ERCC6L2 gene. While this is not anticipated to result in nonsense mediated decay, it is expected to disrupt the last 49 amino acid(s) of the ERCC6L2 protein. This variant is present in population databases (rs769512185, gnomAD 0.004%). This variant has not been reported in the literature in individuals affected with ERCC6L2-related conditions. Experimental studies and prediction algorithms are not available or were not evaluated, and the functional significance of this variant is currently unknown. In summary, the available evidence is currently insufficient to determine the role of this variant in disease. Therefore, it has been classified as a Variant of Uncertain Significance.

Juno Genomics, Hangzhou Juno Genomics, Inc
Classification: Uncertain significance for Pancytopenia-developmental delay syndrome. Review status: criteria provided, single submitter. Criteria: ACMG Guidelines, 2015. Collection method: clinical testing. Allele origin: germline.
Comment: Null variant in a gene where loss of function (LOF) is a known mechanism of disease.;Absent from controls (or at extremely low frequency if recessive) in Genome Aggregation Database.